The following is an entry in ClinVar:

NM_138694.4(PKHD1):c.8629del (p.Ser2877fs)

Gene: PKHD1 (PKHD1 ciliary IPT domain containing fibrocystin/polyductin; minus strand). Cytogenetic location: 6p12.3.
Variant type: Deletion.
Coding change: c.8629del on transcript NM_138694.4 (MANE Select); coding-DNA position 8629, one base deleted (T; older notation c.8629delT).
Protein change: p.Ser2877fs; shifts the reading frame from serine 2877.
Molecular consequence: frameshift variant.
Genome position (GRCh38, 1-based): chr6:51,772,715, A deleted on the plus strand (T on the coding strand, the reverse complement: PKHD1 is on the minus strand). VCF-style (leftmost placement, unchanged base first): chr6-51772714-GA-G. GRCh37 (hg19) VCF-style: chr6-51637512-GA-G.
Other names: c.8629delT (NM_138694.4, NM_138694.3); c.8629del (NM_170724.2); c.8629del, p.Ser2877fs (NM_170724.3); short protein forms S2877fs.
Identifiers: ClinVar variation 813375 (VCV000813375.12), dbSNP rs779168950, ClinGen allele CA3851567.
Genomic context (GRCh38, chr6:51,772,714, plus strand): 5'-ACCTAAACAACAACCAAGAAAAAGCCCTAAGTTACTCTCATTCCTTACCTCTCATTTCCT[GA>G]GGCAATATCAGCTCCAAGATGTGTCCAGGAGTTCTTAGGATAAGCACTGTAAAGATGAAC-3'

ClinVar aggregate classification (germline): Pathogenic/Likely pathogenic. Review status: criteria provided, multiple submitters, no conflicts (2 of 4 stars). 6 submissions from 6 submitters: Pathogenic (3); Likely pathogenic (2). 1 of the submissions does not count toward it. Last evaluated 2026-01-12.

Conditions:
PKHD1-related disorder. Also called: PKHD1-related condition.
Autosomal recessive polycystic kidney disease (ARPKD). Also called: AR polycystic kidney disease. Identifiers: Orphanet 731, Orphanet 8378, MedGen C0085548, MeSH D017044, MONDO:0009889.
Polycystic kidney disease 4 (PKD4). Also called: PKD3; POLYCYSTIC KIDNEY DISEASE 4 WITH OR WITHOUT POLYCYSTIC LIVER DISEASE; POLYCYSTIC KIDNEY AND HEPATIC DISEASE 1; POLYCYSTIC KIDNEY DISEASE, INFANTILE, TYPE I; Autosomal Recessive Polycystic Kidney Disease – PKHD1. Identifiers: MedGen C4540575, MONDO:0033004, OMIM 263200.

Allele frequency attached by ClinVar (database versions not stated): gnomAD 0.00001; TOPMed 0.00002; ESP Exome Variant Server 0.00008; gnomAD exomes below 0.00001; ExAC 0.00001.

Submissions (6):

Natera, Inc.
Classification: Likely pathogenic for Autosomal recessive polycystic kidney disease. Last evaluated: 2026-01-12. Review status: criteria provided, single submitter. Criteria: Natera Variant Classification Schema (03/2026). Collection method: clinical testing. Allele origin: germline.
Comment: The c.8629delT variant in PKHD1 is a frameshift variant predicted to shift the reading frame beginning at codon 2877 and leads to a stop codon 7 codons downstream. This variant is expected to result in nonsense mediated decay, truncation, or a dysfunctional protein product. This variant is rare in the general population with a frequency below the threshold expected for the associated phenotype(s). Given the available evidence, this variant is classified as Likely Pathogenic.

PreventionGenetics, part of Exact Sciences
Classification: Pathogenic for PKHD1-related condition. Last evaluated: 2025-05-30. Review status: criteria provided, single submitter. Criteria: ACMG Guidelines, 2015. Collection method: clinical testing. Allele origin: germline.
Comment: The PKHD1 c.8629delT variant is predicted to result in a frameshift and premature protein termination (p.Ser2877Glnfs*7). This variant was reported in an individual with chronic liver disease (Supplementary Table 3, Kong et al. 2023. PubMed ID: 3805735). This variant is reported in 0.0062% of alleles in individuals of African descent in gnomAD. Frameshift variants in PKHD1 are expected to be pathogenic. This variant is interpreted as pathogenic.

Fulgent Genetics
Classification: Likely pathogenic for Polycystic kidney disease 4. Last evaluated: 2022-03-07. Review status: criteria provided, single submitter. Criteria: ACMG Guidelines, 2015. Collection method: clinical testing. Allele origin: unknown.

Labcorp Genetics (formerly Invitae), Labcorp
Classification: Pathogenic for Autosomal recessive polycystic kidney disease. Last evaluated: 2021-12-24. Review status: criteria provided, single submitter. Criteria: Invitae Variant Classification Sherloc (09022015). Collection method: clinical testing. Allele origin: germline.
Comment: This sequence change creates a premature translational stop signal (p.Ser2877Glnfs*7) in the PKHD1 gene. It is expected to result in an absent or disrupted protein product. Loss-of-function variants in PKHD1 are known to be pathogenic (PMID: 19940839). This variant is present in population databases (rs779168950, gnomAD 0.007%). This variant has not been reported in the literature in individuals affected with PKHD1-related conditions. ClinVar contains an entry for this variant (Variation ID: 813375). For these reasons, this variant has been classified as Pathogenic.

Baylor Genetics
Classification: Pathogenic for Polycystic kidney disease 4. Review status: criteria provided, single submitter. Criteria: ACMG Guidelines, 2015. Collection method: clinical testing. Allele origin: germline.

Genomics And Bioinformatics Analysis Resource, Columbia University
Classification: Likely pathogenic for Polycystic kidney disease 4. Review status: no assertion criteria provided. Collection method: research. Allele origin: unknown. Affected: yes. Not counted in ClinVar's aggregate classification.

Literature cited by the submitters: PubMed 19940839 (cited by Labcorp Genetics (formerly Invitae), Labcorp).